The following is an entry in ClinVar:

ClinVar aggregate classification (germline): Uncertain significance (1 of 4 stars; one submission).

Conditions:
Neuroblastoma, susceptibility to, 3. Also called: ALK-Related Neuroblastic Tumor Susceptibility. Identifiers: Orphanet 635, MedGen C2751681, MONDO:0013083, OMIM 613014.

Submission:

Labcorp Genetics (formerly Invitae), Labcorp
Classification: Uncertain significance for Neuroblastoma, susceptibility to, 3. Last evaluated: 2025-08-06. Review status: criteria provided, single submitter. Criteria: Invitae Variant Classification Sherloc (09022015). Collection method: clinical testing. Allele origin: germline.
Comment: This sequence change replaces glycine, which is neutral and non-polar, with serine, which is neutral and polar, at codon 485 of the ALK protein (p.Gly485Ser). This variant is not present in population databases (gnomAD no frequency). This variant has not been reported in the literature in individuals affected with ALK-related conditions. An algorithm developed to predict the effect of missense changes on protein structure and function (PolyPhen-2) suggests that this variant is likely to be disruptive. In summary, the available evidence is currently insufficient to determine the role of this variant in disease. Therefore, it has been classified as a Variant of Uncertain Significance.

NM_004304.5(ALK):c.1453G>A (p.Gly485Ser)

Gene: ALK (ALK receptor tyrosine kinase; minus strand). Cytogenetic location: 2p23.2.
Variant type: single nucleotide variant.
Coding change: c.1453G>A on transcript NM_004304.5 (MANE Select); coding-DNA position 1453, G replaced by A.
Protein change: p.Gly485Ser; replaces glycine 485 with serine.
Molecular consequence: missense variant.
Genome position (GRCh38, 1-based): chr2:29,320,844, C>T on the plus strand (G>A on the coding strand, the complement: ALK is on the minus strand). VCF-style: chr2-29320844-C-T. GRCh37 (hg19) VCF-style: chr2-29543710-C-T.
Other names: short protein forms G485S.
Identifiers: ClinVar variation 4805253 (VCV004805253.1).
Genomic context (GRCh38, chr2:29,320,844, plus strand): 5'-TCCTGACCTGCCATTGAGGAGTGTGGGGTGACAGTGTGCCTTGGGTCCAGCCACAGAAGC[C>T]ATCTTCAAAGTTGCAGTAAAAACCCACAGGCAGTTTCCCTATGGAGAGAGCAGAGAGGCA-3'
Protein context (NP_004295.2, residues 475-495): PVGFYCNFED[Gly485Ser]FCGWTQGTLS